The following is an entry in ClinVar:

NM_006158.5(NEFL):c.1517AAG[6] (p.Glu510dup)

Gene: NEFL (neurofilament light chain; minus strand). Cytogenetic location: 8p21.2.
Variant type: Microsatellite.
Coding change: c.1517AAG[6] on transcript NM_006158.5 (MANE Select); six copies in a row of the 3-base unit AAG starting at c.1517; the reference has five copies in a row; one copy, 3 bases duplicated; also written c.1529_1531dup.
Protein change: p.Glu510dup; duplicates glutamic acid 510.
Molecular consequence: inframe insertion.
Genome position (GRCh38, 1-based): chr8:24,952,911-24,952,913, CTT duplicated on the plus strand (AAG on the coding strand, the reverse complement: NEFL is on the minus strand); duplicating any 3 consecutive bases within chr8:24,952,911-24,952,925 gives the same sequence; the position shown is the placement nearest the transcript's 3' end. VCF-style (leftmost placement, unchanged base first): chr8-24952910-C-CCTT. GRCh37 (hg19) VCF-style: chr8-24810423-C-CCTT.
Other names: c.1529_1531dup (NM_006158.4).
Identifiers: ClinVar variation 1445766 (VCV001445766.9), dbSNP rs570816238, ClinGen allele CA580954031.

ClinVar aggregate classification (germline): Uncertain significance. Review status: criteria provided, multiple submitters, no conflicts (2 of 4 stars). 2 submissions from 2 submitters: Uncertain significance (2). Last evaluated 2025-10-02.

Conditions:
Charcot-Marie-Tooth disease type 2E (CMT2E). Also called: CHARCOT-MARIE-TOOTH NEUROPATHY, TYPE 2E; CHARCOT-MARIE-TOOTH DISEASE, AXONAL, TYPE 2E. Identifiers: Orphanet 99939, MedGen C1843225, MONDO:0011894, OMIM 607684.

Submissions (2):

Labcorp Genetics (formerly Invitae), Labcorp
Classification: Uncertain significance for Charcot-Marie-Tooth disease type 2E. Last evaluated: 2025-10-02. Review status: criteria provided, single submitter. Criteria: Invitae Variant Classification Sherloc (09022015). Collection method: clinical testing. Allele origin: germline.
Comment: This variant, c.1529_1531dup, results in the insertion of 1 amino acid(s) of the NEFL protein (p.Glu510dup), but otherwise preserves the integrity of the reading frame. The frequency data for this variant in the population databases is considered unreliable, as metrics indicate poor data quality at this position in the gnomAD database. This variant has not been reported in the literature in individuals affected with NEFL-related conditions. Experimental studies and prediction algorithms are not available or were not evaluated, and the functional significance of this variant is currently unknown. In summary, the available evidence is currently insufficient to determine the role of this variant in disease. Therefore, it has been classified as a Variant of Uncertain Significance.

Revvity Omics, Revvity
Classification: Uncertain significance. Last evaluated: 2025-06-05. Review status: criteria provided, single submitter. Criteria: ACMG Guidelines, 2015. Collection method: clinical testing. Allele origin: germline.